The following is an entry in ClinVar:

NM_001009944.3(PKD1):c.5472C>T (p.Pro1824=)

Gene: PKD1 (polycystin 1, transient receptor potential channel interacting; minus strand). Cytogenetic location: 16p13.3.
Variant type: single nucleotide variant.
Coding change: c.5472C>T on transcript NM_001009944.3 (MANE Select); coding-DNA position 5472, C replaced by T.
Protein change: p.Pro1824=; no amino-acid change (proline 1824 retained).
Molecular consequence: synonymous variant.
Genome position (GRCh38, 1-based): chr16:2,109,695, G>A on the plus strand (C>T on the coding strand, the complement: PKD1 is on the minus strand). VCF-style: chr16-2109695-G-A. GRCh37 (hg19) VCF-style: chr16-2159696-G-A.
Other names: c.5472C>T, p.Pro1824= (NM_000296.4).
Identifiers: ClinVar variation 4986262 (VCV004986262.1).

ClinVar aggregate classification (germline): Likely benign (1 of 4 stars; one submission).

Conditions:
PKD1-related disorder. Also called: PKD1-related condition.

gnomAD v4.1: 1 of 1,594,902 alleles (0.000063%); highest among the groups gnomAD compares: Non-Finnish European, 0.000085%; no homozygotes.

Submission:

PreventionGenetics, part of Exact Sciences
Classification: Likely benign for PKD1-related condition. Last evaluated: 2026-07-23. Review status: criteria provided, single submitter. Criteria: ACMG Guidelines, 2015. Collection method: clinical testing. Allele origin: germline.
Comment: This variant is classified as likely benign based on ACMG/AMP sequence variant interpretation guidelines (Richards et al. 2015 PMID: 25741868, with internal and published modifications).